The following is an entry in ClinVar:

ClinVar aggregate classification (germline): Uncertain significance. Review status: criteria provided, multiple submitters, no conflicts (2 of 4 stars). 2 submissions from 2 submitters: Uncertain significance (2). Last evaluated 2025-11-01.

Conditions:
Inborn genetic diseases. Identifiers: MedGen C0950123, MeSH D030342.

gnomAD v4.1: 1 of 1,599,610 alleles (0.000063%); highest among the groups gnomAD compares: Non-Finnish European, 0.000085%; no homozygotes.

Submissions (2):

CeGaT Center for Human Genetics Tuebingen
Classification: Uncertain significance. Last evaluated: 2025-11-01. Review status: criteria provided, single submitter. Criteria: CeGaT Center For Human Genetics Tuebingen Variant Classification Criteria Version 2. Collection method: clinical testing. Allele origin: germline. Affected: yes. Observed: 1 variant allele.
Comment: FOXE1: PM2

Ambry Genetics
Classification: Uncertain significance for Inborn genetic diseases. Last evaluated: 2025-09-26. Review status: criteria provided, single submitter. Criteria: Ambry Variant Classification Scheme 2023. Collection method: clinical testing. Allele origin: germline.

NM_004473.4(FOXE1):c.1001G>C (p.Gly334Ala)

Gene: FOXE1 (forkhead box E1; plus strand). Cytogenetic location: 9q22.33.
Variant type: single nucleotide variant.
Coding change: c.1001G>C on transcript NM_004473.4 (MANE Select); coding-DNA position 1001, G replaced by C.
Protein change: p.Gly334Ala; replaces glycine 334 with alanine.
Molecular consequence: missense variant.
Genome position (GRCh38, 1-based): chr9:97,854,915, G>C. VCF-style: chr9-97854915-G-C. GRCh37 (hg19) VCF-style: chr9-100617197-G-C.
Other names: c.1001G>C (NM_004473.3); short protein forms G334A.
Identifiers: ClinVar variation 4533905 (VCV004533905.6).